The following is an entry in ClinVar:

ClinVar aggregate classification (germline): Pathogenic (1 of 4 stars; one submission).

Conditions:
Bloom syndrome (BLM). Also called: Bloom-Torre-Machacek syndrome. Identifiers: Orphanet 125, MedGen C0005859, MONDO:0008876, OMIM 210900.

Submission:

Labcorp Genetics (formerly Invitae), Labcorp
Classification: Pathogenic for Bloom syndrome. Last evaluated: 2024-01-15. Review status: criteria provided, single submitter. Criteria: Invitae Variant Classification Sherloc (09022015). Collection method: clinical testing. Allele origin: germline.
Comment: This sequence change creates a premature translational stop signal (p.Gln402Profs*16) in the BLM gene. It is expected to result in an absent or disrupted protein product. Loss-of-function variants in BLM are known to be pathogenic (PMID: 17407155). This variant is not present in population databases (gnomAD no frequency). This variant has not been reported in the literature in individuals affected with BLM-related conditions. For these reasons, this variant has been classified as Pathogenic.

Literature cited by the submitters: PubMed 17407155.

NM_000057.4(BLM):c.1204dup (p.Gln402fs)

Gene: BLM (BLM RecQ like helicase; plus strand). Cytogenetic location: 15q26.1.
Variant type: Duplication.
Coding change: c.1204dup on transcript NM_000057.4 (MANE Select); coding-DNA position 1204, one base duplicated (C; older notation c.1204dupC).
Protein change: p.Gln402fs; shifts the reading frame from glutamine 402.
Molecular consequence: frameshift variant.
Genome position (GRCh38, 1-based): chr15:90,760,263, C duplicated. VCF-style (leftmost placement, unchanged base first): chr15-90760262-T-TC. GRCh37 (hg19) VCF-style: chr15-91303492-T-TC.
Other names: c.1204dup, p.Gln402fs (NM_001287246.2, NM_001287247.2); c.79dup, p.Gln27fs (NM_001287248.2); short protein forms Q402fs, Q27fs.
Identifiers: ClinVar variation 2764920 (VCV002764920.3), dbSNP rs2505422461, ClinGen allele CA2697549331.
Genomic context (GRCh38, chr15:90,760,262, plus strand): 5'-ATTAATTGATACTATTCCTGATGATAAACTGAAACTTTTGGATTGTGGGAACGAACTGCT[T>TC]CAGCAGCGGAACATAAGGTATCTTAATTTTCCCCCTTCTGGAATATATCTGATTATATTT-3'